The following is an entry in ClinVar:

ClinVar aggregate classification (germline): Uncertain significance (1 of 4 stars; one submission).

Conditions:
Primary dilated cardiomyopathy (DCM). Also called: Dilated Cardiomyopathy. Identifiers: Orphanet 217604, MedGen C0007193, MeSH D002311, MONDO:0005021, HP:0001644. Inheritance: Various modes of inheritance.

Submission:

Labcorp Genetics (formerly Invitae), Labcorp
Classification: Uncertain significance for Primary dilated cardiomyopathy. Last evaluated: 2021-09-26. Review status: criteria provided, single submitter. Criteria: Invitae Variant Classification Sherloc (09022015). Collection method: clinical testing. Allele origin: germline.
Comment: In summary, the available evidence is currently insufficient to determine the role of this variant in disease. Therefore, it has been classified as a Variant of Uncertain Significance. Algorithms developed to predict the effect of missense changes on protein structure and function are either unavailable or do not agree on the potential impact of this missense change (SIFT: "Deleterious"; PolyPhen-2: "Possibly Damaging"; Align-GVGD: "Class C0"). This variant has not been reported in the literature in individuals affected with NEBL-related conditions. This variant is not present in population databases (ExAC no frequency). This sequence change replaces isoleucine with asparagine at codon 828 of the NEBL protein (p.Ile828Asn). The isoleucine residue is moderately conserved and there is a large physicochemical difference between isoleucine and asparagine.

NM_006393.3(NEBL):c.2483T>A (p.Ile828Asn)

Gene: NEBL (nebulette; minus strand). Cytogenetic location: 10p12.31.
Variant type: single nucleotide variant.
Coding change: c.2483T>A on transcript NM_006393.3 (MANE Select); coding-DNA position 2483, T replaced by A.
Protein change: p.Ile828Asn; replaces isoleucine 828 with asparagine.
Molecular consequence: missense variant.
Genome position (GRCh38, 1-based): chr10:20,812,804, A>T on the plus strand (T>A on the coding strand, the complement: NEBL is on the minus strand). VCF-style: chr10-20812804-A-T. GRCh37 (hg19) VCF-style: chr10-21101733-A-T.
Other names: c.494T>A, p.Ile165Asn (NM_001173484.2, NM_001377322.1, NM_213569.2); c.446T>A, p.Ile149Asn (NM_001377323.1); c.437T>A, p.Ile146Asn (NM_001377324.1); c.428T>A, p.Ile143Asn (NM_001377325.1); c.386T>A, p.Ile129Asn (NM_001377326.1, NM_001377327.1, NM_001377328.1); short protein forms I129N, I146N, I143N, I149N, I165N, I828N.
Identifiers: ClinVar variation 1470370 (VCV001470370.6), dbSNP rs2130787312, ClinGen allele CA376093246.